The following is an entry in ClinVar:

NM_004168.4(SDHA):c.753C>T (p.Asn251=)

Gene: SDHA (succinate dehydrogenase complex flavoprotein subunit A; plus strand). Cytogenetic location: 5p15.33.
Variant type: single nucleotide variant.
Coding change: c.753C>T on transcript NM_004168.4 (MANE Select); coding-DNA position 753, C replaced by T.
Protein change: p.Asn251=; no amino-acid change (asparagine 251 retained).
Molecular consequence: synonymous variant.
Genome position (GRCh38, 1-based): chr5:228,316, C>T. VCF-style: chr5-228316-C-T. GRCh37 (hg19) VCF-style: chr5-228431-C-T.
Other names: c.609C>T, p.Asn203= (NM_001294332.2); c.753C>T, p.Asn251= (NM_001330758.2).
Identifiers: ClinVar variation 1123944 (VCV001123944.12), dbSNP rs1126411, ClinGen allele CA3172958.

ClinVar aggregate classification (germline): Benign/Likely benign. Review status: criteria provided, multiple submitters, no conflicts (2 of 4 stars). 3 submissions from 3 submitters: Benign (1); Likely benign (2). Last evaluated 2025-03-03.

Conditions:
Pheochromocytoma/paraganglioma syndrome 5. Also called: Paragangliomas 5; SDHA-Related Hereditary Paraganglioma-Pheochromocytoma Syndrome. Identifiers: Orphanet 29072, MedGen C3279992, MONDO:0013602, OMIM 614165.
Mitochondrial complex II deficiency, nuclear type 1. Also called: SUCCINATE CoQ REDUCTASE DEFICIENCY. Identifiers: Orphanet 3208, MedGen C5700310, MONDO:0100294, OMIM 252011.
Hereditary cancer-predisposing syndrome. Also called: Tumor predisposition; Neoplastic Syndromes, Hereditary; Hereditary Cancer Syndrome; Hereditary neoplastic syndrome. Identifiers: Orphanet 140162, MedGen C0027672, MeSH D009386, MONDO:0015356.

Submissions (3):

Myriad Genetics, Inc.
Classification: Benign for Pheochromocytoma/paraganglioma syndrome 5. Last evaluated: 2025-03-03. Review status: criteria provided, single submitter. Criteria: Myriad Autosomal Dominant, Autosomal Recessive and X-Linked Classification Criteria (2023). Collection method: clinical testing. Allele origin: unknown.
Comment: This variant is considered benign. This variant is a silent/synonymous amino acid change and it is not expected to impact splicing.

Labcorp Genetics (formerly Invitae), Labcorp
Classification: Likely benign for Pheochromocytoma/paraganglioma syndrome 5; Mitochondrial complex II deficiency, nuclear type 1. Last evaluated: 2022-06-22. Review status: criteria provided, single submitter. Criteria: Invitae Variant Classification Sherloc (09022015). Collection method: clinical testing. Allele origin: germline.

Ambry Genetics
Classification: Likely benign for Hereditary cancer-predisposing syndrome. Last evaluated: 2021-06-06. Review status: criteria provided, single submitter. Criteria: Ambry Variant Classification Scheme 2023. Collection method: clinical testing. Allele origin: germline.